The following is an entry in ClinVar:

NM_001378452.1(ITPR1):c.3766G>A (p.Ala1256Thr)

Gene: ITPR1 (inositol 1,4,5-trisphosphate receptor type 1; plus strand). Cytogenetic location: 3p26.1.
Variant type: single nucleotide variant.
Coding change: c.3766G>A on transcript NM_001378452.1 (MANE Select); coding-DNA position 3766, G replaced by A.
Protein change: p.Ala1256Thr; replaces alanine 1256 with threonine.
Molecular consequence: missense variant.
Genome position (GRCh38, 1-based): chr3:4,688,558, G>A. VCF-style: chr3-4688558-G-A. GRCh37 (hg19) VCF-style: chr3-4730242-G-A.
Other names: c.3739G>A, p.Ala1247Thr (NM_001099952.4); c.3721G>A, p.Ala1241Thr (NM_001168272.2); c.3694G>A, p.Ala1232Thr (NM_002222.7); short protein forms A1232T, A1241T, A1247T, A1256T.
Identifiers: ClinVar variation 983089 (VCV000983089.9), dbSNP rs768179678, ClinGen allele CA2231804.

ClinVar aggregate classification (germline): Uncertain significance. Review status: criteria provided, multiple submitters, no conflicts (2 of 4 stars). 6 submissions from 6 submitters: Uncertain significance (6). Last evaluated 2025-03-10.

Conditions:
ITPR1-related disorder. Also called: ITPR1-related condition.
Spinocerebellar ataxia type 15/16 (SCA15). Also called: Spinocerebellar Ataxia Type 15. Identifiers: Orphanet 98769, MedGen C1847725, MONDO:0011694, OMIM 606658.

Allele frequency attached by ClinVar (database versions not stated): TOPMed 0.00001; gnomAD 0.00003 and 0.00004; 1000 Genomes Project 30x 0.00031.
gnomAD v4.1: 54 of 1,613,922 alleles (0.0033%); highest among the groups gnomAD compares: Middle Eastern, 0.016%; no homozygotes.

Submissions (6):

PreventionGenetics, part of Exact Sciences
Classification: Uncertain significance for ITPR1-related condition. Last evaluated: 2025-03-10. Review status: criteria provided, single submitter. Criteria: ACMG Guidelines, 2015. Collection method: clinical testing. Allele origin: germline.
Comment: The ITPR1 c.3694G>A variant is predicted to result in the amino acid substitution p.Ala1232Thr. To our knowledge, this variant has not been reported in the literature. This variant is reported in 0.0058% of alleles in individuals of Latino descent in gnomAD. At this time, the clinical significance of this variant is uncertain due to the absence of conclusive functional and genetic evidence.

Labcorp Genetics (formerly Invitae), Labcorp
Classification: Uncertain significance. Last evaluated: 2024-12-19. Review status: criteria provided, single submitter. Criteria: Invitae Variant Classification Sherloc (09022015). Collection method: clinical testing. Allele origin: germline.
Comment: This sequence change replaces alanine, which is neutral and non-polar, with threonine, which is neutral and polar, at codon 1232 of the ITPR1 protein (p.Ala1232Thr). This variant is present in population databases (rs768179678, gnomAD 0.006%). This missense change has been observed in individual(s) with clinical features of ITPR1-related conditions (PMID: 31785789, 33057194). ClinVar contains an entry for this variant (Variation ID: 983089). Invitae Evidence Modeling of protein sequence and biophysical properties (such as structural, functional, and spatial information, amino acid conservation, physicochemical variation, residue mobility, and thermodynamic stability) indicates that this missense variant is not expected to disrupt ITPR1 protein function with a negative predictive value of 95%. In summary, the available evidence is currently insufficient to determine the role of this variant in disease. Therefore, it has been classified as a Variant of Uncertain Significance.

Blueprint Genetics
Classification: Uncertain significance. Last evaluated: 2024-08-20. Review status: criteria provided, single submitter. Criteria: ACMG Guidelines, 2015. Collection method: clinical testing. Allele origin: germline.

Athena Diagnostics
Classification: Uncertain significance. Last evaluated: 2022-09-16. Review status: criteria provided, single submitter. Criteria: Athena Diagnostics Criteria. Collection method: clinical testing. Allele origin: unknown.

GeneDx
Classification: Uncertain significance. Last evaluated: 2022-03-10. Review status: criteria provided, single submitter. Criteria: GeneDx Variant Classification Process June 2021. Collection method: clinical testing. Allele origin: germline. Affected: yes.
Comment: In silico analysis supports that this missense variant does not alter protein structure/function; This variant is associated with the following publications: (PMID: 31785789)

Institute of Human Genetics, University of Leipzig Medical Center
Classification: Uncertain significance for Spinocerebellar ataxia type 15/16. Last evaluated: 2019-01-01. Review status: criteria provided, single submitter. Criteria: ACMG Guidelines, 2015. Collection method: clinical testing. Allele origin: unknown. Affected: yes.

Literature cited by the submitters: PubMed 31785789 (cited by Labcorp Genetics (formerly Invitae), Labcorp); PubMed 33057194 (cited by Labcorp Genetics (formerly Invitae), Labcorp).